The following is an entry in ClinVar:

ClinVar aggregate classification (germline): Conflicting classifications of pathogenicity. Review status: criteria provided, conflicting classifications (1 of 4 stars). 2 submissions from 2 submitters: Uncertain significance (1); Likely benign (1). Last evaluated 2025-02-12.

Conditions:
Cardiovascular phenotype. Identifiers: MedGen CN230736.

Allele frequency attached by ClinVar (database versions not stated): gnomAD 0.00001; gnomAD exomes 0.00002 and 0.00006; TOPMed 0.00003; ExAC 0.00006.
gnomAD v4.1: 33 of 1,557,480 alleles (0.0021%); highest among the groups gnomAD compares: Non-Finnish European, 0.00061%; 1 homozygote.

Submissions (2):

Ambry Genetics
Classification: Likely benign for Cardiovascular phenotype. Last evaluated: 2025-02-12. Review status: criteria provided, single submitter. Criteria: Ambry Variant Classification Scheme 2023. Collection method: clinical testing. Allele origin: germline.

GeneDx
Classification: Uncertain significance. Last evaluated: 2024-09-18. Review status: criteria provided, single submitter. Criteria: GeneDx Variant Classification Process June 2021. Collection method: clinical testing. Allele origin: germline. Affected: yes.
Comment: Has not been previously published as pathogenic or benign to our knowledge; In silico analysis indicates that this missense variant does not alter protein structure/function

NM_001365276.2(TNXB):c.9988C>A (p.Leu3330Ile)

Gene: TNXB (tenascin XB; minus strand). Cytogenetic location: 6p21.33.
Variant type: single nucleotide variant.
Coding change: c.9988C>A on transcript NM_001365276.2 (MANE Select); coding-DNA position 9988, C replaced by A.
Protein change: p.Leu3330Ile; replaces leucine 3330 with isoleucine.
Molecular consequence: missense variant.
Genome position (GRCh38, 1-based): chr6:32,048,420, G>T on the plus strand (C>A on the coding strand, the complement: TNXB is on the minus strand). VCF-style: chr6-32048420-G-T. GRCh37 (hg19) VCF-style: chr6-32016197-G-T.
Other names: c.9982C>A, p.Leu3328Ile (NM_019105.8); short protein forms L3328I, L3330I.
Identifiers: ClinVar variation 1696923 (VCV001696923.7), dbSNP rs769294568, ClinGen allele CA3733350.